The following is an entry in ClinVar:

ClinVar aggregate classification (germline): Pathogenic (1 of 4 stars; one submission).

Conditions:
Primary ciliary dyskinesia. Also called: Ciliary dyskinesia. Identifiers: Orphanet 244, MedGen C0008780, MONDO:0016575, HP:0012265.

Submission:

Labcorp Genetics (formerly Invitae), Labcorp
Classification: Pathogenic for Primary ciliary dyskinesia. Last evaluated: 2022-01-05. Review status: criteria provided, single submitter. Criteria: Invitae Variant Classification Sherloc (09022015). Collection method: clinical testing. Allele origin: germline.
Comment: For these reasons, this variant has been classified as Pathogenic. This variant has not been reported in the literature in individuals affected with DNAI1-related conditions. This variant is not present in population databases (gnomAD no frequency). This sequence change creates a premature translational stop signal (p.Asp162Cysfs*8) in the DNAI1 gene. It is expected to result in an absent or disrupted protein product. Loss-of-function variants in DNAI1 are known to be pathogenic (PMID: 16858015, 29363216).

Literature cited by the submitters: PubMed 16858015; PubMed 29363216.

NM_012144.4(DNAI1):c.484_485del (p.Asp162fs)

Gene: DNAI1 (dynein axonemal intermediate chain 1; plus strand). Cytogenetic location: 9p13.3.
Variant type: Deletion.
Coding change: c.484_485del on transcript NM_012144.4 (MANE Select); coding-DNA positions 484 to 485, 2 bases deleted (GA; older notation c.484_485delGA).
Protein change: p.Asp162fs; shifts the reading frame from aspartic acid 162.
Molecular consequence: frameshift variant.
Genome position (GRCh38, 1-based): chr9:34,490,107-34,490,108, GA deleted; deleting any 2 consecutive bases within chr9:34,490,106-34,490,108 gives the same sequence; the c. name uses the placement nearest the transcript's 3' end. VCF-style (leftmost placement, unchanged base first): chr9-34490105-CAG-C. GRCh37 (hg19) VCF-style: chr9-34490103-CAG-C.
Other names: c.496_497del, p.Asp166fs (NM_001281428.2); short protein forms D166fs, D162fs.
Identifiers: ClinVar variation 2075089 (VCV002075089.4), dbSNP rs2492033549, ClinGen allele CA2580080379.
Genomic context (GRCh38, chr9:34,490,105, plus strand): 5'-CAGGAAACCTCGAAGAAGACGAAGAGCCCAAGGAGTTAGAAACTGAGCCTGGGAGTCAAA[CAG>C]ATGTGCCTGCAGCTGGGGTACAGTATAATATCGCTCTGTGTCCCTCTTCTTCCAGCTCAA-3'